The following is an entry in ClinVar:

NM_018975.4(TERF2IP):c.1156G>C (p.Gly386Arg)

Gene: TERF2IP (TERF2 interacting protein; plus strand). Cytogenetic location: 16q23.1.
Variant type: single nucleotide variant.
Coding change: c.1156G>C on transcript NM_018975.4 (MANE Select); coding-DNA position 1156, G replaced by C.
Protein change: p.Gly386Arg; replaces glycine 386 with arginine.
Molecular consequence: missense variant. On other transcripts: non-coding transcript variant (1).
Genome position (GRCh38, 1-based): chr16:75,656,567, G>C. VCF-style: chr16-75656567-G-C. GRCh37 (hg19) VCF-style: chr16-75690465-G-C.
Other names: short protein forms G386R.
Identifiers: ClinVar variation 2561644 (VCV002561644.2), dbSNP rs2507090029, ClinGen allele CA396820386.
Genomic context (GRCh38, chr16:75,656,567, plus strand): 5'-GATGACATAGATTTGCAAAAAGATGATGAGGATACCAGAGAGGCATTGGTCAAAAAATTT[G>C]GTGCTCAGAATGTAGCTCGGAGGATTGAATTTCGAAAGAAATAATTGGCAAGATAATGAG-3'
Protein context (NP_061848.2, residues 376-396): DTREALVKKF[Gly386Arg]AQNVARRIEF

ClinVar aggregate classification (germline): Uncertain significance (1 of 4 stars; one submission).

Allele frequency attached by ClinVar (database versions not stated): gnomAD exomes below 0.00001.
gnomAD v4.1: 1 of 1,612,914 alleles (0.000062%); highest among the groups gnomAD compares: East Asian, 0.0022%; no homozygotes.

Submission:

Ambry Genetics
Classification: Uncertain significance. Last evaluated: 2023-04-20. Review status: criteria provided, single submitter. Criteria: Ambry Variant Classification Scheme 2023. Collection method: clinical testing. Allele origin: germline.
Comment: The p.G386R variant (also known as c.1156G>C), located in coding exon 3 of the TERF2IP gene, results from a G to C substitution at nucleotide position 1156. The glycine at codon 386 is replaced by arginine, an amino acid with dissimilar properties. This amino acid position is conserved. In addition, this alteration is predicted to be deleterious by in silico analysis. Since supporting evidence is limited at this time, the clinical significance of this alteration remains unclear.